The following is an entry in ClinVar:

ClinVar aggregate classification (germline): Conflicting classifications of pathogenicity. Review status: criteria provided, conflicting classifications (1 of 4 stars). 5 submissions from 5 submitters: Uncertain significance (3); Likely benign (1). 1 of the submissions does not count toward it. Last evaluated 2026-04-01.

Conditions:
Inborn genetic diseases. Identifiers: MedGen C0950123, MeSH D030342.
MFSD8-related disorder. Also called: MFSD8-related condition.
Neuronal ceroid lipofuscinosis 7 (CLN7). Also called: MFSD8-Related Neuronal Ceroid-Lipofuscinosis. Identifiers: Orphanet 168491, Orphanet 228366, MedGen C1838571, MONDO:0012588, OMIM 610951.
Late-infantile neuronal ceroid lipofuscinosis. Also called: Jansky-Bielschowsky disease. Identifiers: MedGen C0022340, MONDO:0015674.

Allele frequency attached by ClinVar (database versions not stated): gnomAD 0.00001 and 0.00003; TOPMed 0.00001; ExAC 0.00002; gnomAD exomes 0.00002 and 0.00003.
gnomAD v4.1: 32 of 1,613,946 alleles (0.002%); highest among the groups gnomAD compares: South Asian, 0.025%; no homozygotes.

Submissions (5):

PreventionGenetics, part of Exact Sciences
Classification: Uncertain significance for MFSD8-related condition. Last evaluated: 2026-04-01. Review status: criteria provided, single submitter. Criteria: ACMG Guidelines, 2015. Collection method: clinical testing. Allele origin: germline.
Comment: The MFSD8 c.1036G>A variant is predicted to result in the amino acid substitution p.Val346Ile. To our knowledge, this variant has not been reported in the literature. This variant is reported in 0.020% of alleles in individuals of South Asian descent in gnomAD. At this time, the clinical significance of this variant is uncertain due to the absence of conclusive functional and genetic evidence.

Labcorp Genetics (formerly Invitae), Labcorp
Classification: Uncertain significance for Neuronal ceroid lipofuscinosis 7. Last evaluated: 2025-02-05. Review status: criteria provided, single submitter. Criteria: Invitae Variant Classification Sherloc (09022015). Collection method: clinical testing. Allele origin: germline.
Comment: This sequence change replaces valine, which is neutral and non-polar, with isoleucine, which is neutral and non-polar, at codon 346 of the MFSD8 protein (p.Val346Ile). This variant is present in population databases (rs746209973, gnomAD 0.02%). This variant has not been reported in the literature in individuals affected with MFSD8-related conditions. ClinVar contains an entry for this variant (Variation ID: 660078). Invitae Evidence Modeling of protein sequence and biophysical properties (such as structural, functional, and spatial information, amino acid conservation, physicochemical variation, residue mobility, and thermodynamic stability) indicates that this missense variant is not expected to disrupt MFSD8 protein function with a negative predictive value of 80%. In summary, the available evidence is currently insufficient to determine the role of this variant in disease. Therefore, it has been classified as a Variant of Uncertain Significance.

Blueprint Genetics
Classification: Likely benign. Last evaluated: 2024-11-13. Review status: criteria provided, single submitter. Criteria: ACMG Guidelines, 2015. Collection method: clinical testing. Allele origin: germline.

Ambry Genetics
Classification: Uncertain significance for Inborn genetic diseases. Last evaluated: 2024-10-03. Review status: criteria provided, single submitter. Criteria: Ambry Variant Classification Scheme 2023. Collection method: clinical testing. Allele origin: germline.

Natera, Inc.
Classification: Uncertain significance for Late-infantile neuronal ceroid lipofuscinosis. Last evaluated: 2020-02-25. Review status: no assertion criteria provided. Collection method: clinical testing. Allele origin: germline. Not counted in ClinVar's aggregate classification.

NM_001371596.2(MFSD8):c.1036G>A (p.Val346Ile)

Gene: MFSD8 (major facilitator superfamily domain containing 8; minus strand). Cytogenetic location: 4q28.2.
Variant type: single nucleotide variant.
Coding change: c.1036G>A on transcript NM_001371596.2 (MANE Select); coding-DNA position 1036, G replaced by A.
Protein change: p.Val346Ile; replaces valine 346 with isoleucine.
Molecular consequence: missense variant.
Genome position (GRCh38, 1-based): chr4:127,921,926, C>T on the plus strand (G>A on the coding strand, the complement: MFSD8 is on the minus strand). VCF-style: chr4-127921926-C-T. GRCh37 (hg19) VCF-style: chr4-128843081-C-T.
Other names: c.721G>A, p.Val241Ile (NM_001363521.3); c.901G>A, p.Val301Ile (NM_001371590.2); c.1036G>A, p.Val346Ile (NM_001371591.2, NM_152778.4); c.1042G>A, p.Val348Ile (NM_001371592.2); c.922G>A, p.Val308Ile (NM_001371593.2); c.889G>A, p.Val297Ile (NM_001371594.2); c.754G>A, p.Val252Ile (NM_001371595.1); c.586G>A, p.Val196Ile (NM_001410765.1); and 1 more; short protein forms V279I, V241I, V346I, V252I, V297I, V301I, V308I, V348I.
Identifiers: ClinVar variation 660078 (VCV000660078.10), dbSNP rs746209973, ClinGen allele CA3077308.